The following is an entry in ClinVar:

ClinVar aggregate classification (germline): Uncertain significance (1 of 4 stars; one submission).

Allele frequency attached by ClinVar (database versions not stated): TOPMed below 0.00001; ExAC 0.00001; gnomAD exomes 0.00001.
gnomAD v4.1: 4 of 1,600,628 alleles (0.00025%); highest among the groups gnomAD compares: Non-Finnish European, 0.00034%; no homozygotes.

Submission:

Labcorp Genetics (formerly Invitae), Labcorp
Classification: Uncertain significance. Last evaluated: 2024-10-10. Review status: criteria provided, single submitter. Criteria: Invitae Variant Classification Sherloc (09022015). Collection method: clinical testing. Allele origin: germline.
Comment: This sequence change replaces threonine, which is neutral and polar, with serine, which is neutral and polar, at codon 1030 of the NBAS protein (p.Thr1030Ser). This variant is present in population databases (rs770053089, gnomAD 0.003%). This variant has not been reported in the literature in individuals affected with NBAS-related conditions. ClinVar contains an entry for this variant (Variation ID: 1461160). Invitae Evidence Modeling of protein sequence and biophysical properties (such as structural, functional, and spatial information, amino acid conservation, physicochemical variation, residue mobility, and thermodynamic stability) indicates that this missense variant is not expected to disrupt NBAS protein function with a negative predictive value of 95%. In summary, the available evidence is currently insufficient to determine the role of this variant in disease. Therefore, it has been classified as a Variant of Uncertain Significance.

NM_015909.4(NBAS):c.3089C>G (p.Thr1030Ser)

Gene: NBAS (NBAS subunit of NRZ tethering complex; minus strand). Cytogenetic location: 2p24.3.
Variant type: single nucleotide variant.
Coding change: c.3089C>G on transcript NM_015909.4 (MANE Select); coding-DNA position 3089, C replaced by G.
Protein change: p.Thr1030Ser; replaces threonine 1030 with serine.
Molecular consequence: missense variant. On other transcripts: non-coding transcript variant (1).
Genome position (GRCh38, 1-based): chr2:15,396,458, G>C on the plus strand (C>G on the coding strand, the complement: NBAS is on the minus strand). VCF-style: chr2-15396458-G-C. GRCh37 (hg19) VCF-style: chr2-15536582-G-C.
Other names: short protein forms T1030S.
Identifiers: ClinVar variation 1461160 (VCV001461160.6), dbSNP rs770053089, ClinGen allele CA1536158.